The following is an entry in ClinVar:

ClinVar aggregate classification (germline): Likely benign (1 of 4 stars; one submission).

Allele frequency attached by ClinVar (database versions not stated): 1000 Genomes Project 30x 0.00125; 1000 Genomes Project 0.00140; gnomAD 0.00239; ESP Exome Variant Server 0.00246; ExAC 0.00249; gnomAD exomes 0.00388.

Submission:

CeGaT Center for Human Genetics Tuebingen
Classification: Likely benign. Last evaluated: 2023-01-01. Review status: criteria provided, single submitter. Criteria: CeGaT Center For Human Genetics Tuebingen Variant Classification Criteria Version 2. Collection method: clinical testing. Allele origin: germline. Affected: yes. Observed: 1 variant allele.
Comment: GRIN2C: BP4, BP7, BS2

NM_000835.6(GRIN2C):c.2328G>A (p.Ala776=)

Gene: GRIN2C (glutamate ionotropic receptor NMDA type subunit 2C; minus strand). Cytogenetic location: 17q25.1.
Variant type: single nucleotide variant.
Coding change: c.2328G>A on transcript NM_000835.6 (MANE Select); coding-DNA position 2328, G replaced by A.
Protein change: p.Ala776=; no amino-acid change (alanine 776 retained).
Molecular consequence: synonymous variant. On other transcripts: non-coding transcript variant (1).
Genome position (GRCh38, 1-based): chr17:74,846,088, C>T on the plus strand (G>A on the coding strand, the complement: GRIN2C is on the minus strand). VCF-style: chr17-74846088-C-T. GRCh37 (hg19) VCF-style: chr17-72842227-C-T.
Other names: c.2328G>A, p.Ala776= (NM_001278553.2).
Identifiers: ClinVar variation 2648236 (VCV002648236.24), dbSNP rs80107421, ClinGen allele CA8752112.
Genomic context (GRCh38, chr17:74,846,088, plus strand): 5'-CAGCCCACCCTGGGCATCCCAGCAATGGCAGTACCCACCGTCCCCCAGGAACTGCAAGAG[C>T]GCCAGGTCTATGGCCCGCTTCCAGTGGGAGTCCTTCTGCATGGCGATGCCGTAGCCAGTG-3'
Protein context (NP_000826.2, residues 766-786): DSHWKRAIDL[Ala776=]LLQFLGDGET